The following is an entry in ClinVar:

ClinVar aggregate classification (germline): Benign/Likely benign. Review status: criteria provided, multiple submitters, no conflicts (2 of 4 stars). 2 submissions from 2 submitters: Benign (1); Likely benign (1). Last evaluated 2024-03-25.

Conditions:
Familial adenomatous polyposis 1 (FAP1). Also called: FAMILIAL ADENOMATOUS POLYPOSIS 1, ATTENUATED; POLYPOSIS, ADENOMATOUS INTESTINAL. Identifiers: MedGen C2713442, MONDO:0021056, OMIM 175100. Disease mechanism: loss of function.

Allele frequency attached by ClinVar (database versions not stated): gnomAD 0.00001.
gnomAD v4.1: 1 of 1,613,956 alleles (0.000062%); highest among the groups gnomAD compares: Non-Finnish European, 0.000085%; no homozygotes.

Submissions (2):

Myriad Genetics, Inc.
Classification: Benign for Familial adenomatous polyposis 1. Last evaluated: 2024-03-25. Review status: criteria provided, single submitter. Criteria: Myriad Autosomal Dominant, Autosomal Recessive and X-Linked Classification Criteria (2023). Collection method: clinical testing. Allele origin: unknown.
Comment: This variant is considered benign. This variant is a silent/synonymous amino acid change and it is not expected to impact splicing.

Labcorp Genetics (formerly Invitae), Labcorp
Classification: Likely benign for Familial adenomatous polyposis 1. Last evaluated: 2022-05-12. Review status: criteria provided, single submitter. Criteria: Invitae Variant Classification Sherloc (09022015). Collection method: clinical testing. Allele origin: germline.

NM_000038.6(APC):c.4104A>G (p.Thr1368=)

Gene: APC (APC regulator of Wnt signaling pathway; plus strand). Cytogenetic location: 5q22.2.
Variant type: single nucleotide variant.
Coding change: c.4104A>G on transcript NM_000038.6 (MANE Select); coding-DNA position 4104, A replaced by G.
Protein change: p.Thr1368=; no amino-acid change (threonine 1368 retained).
Molecular consequence: synonymous variant.
Genome position (GRCh38, 1-based): chr5:112,839,698, A>G. VCF-style: chr5-112839698-A-G. GRCh37 (hg19) VCF-style: chr5-112175395-A-G.
Other names: c.4104A>G, p.Thr1368= (NM_001127510.3, NM_001354895.2); c.4050A>G, p.Thr1350= (NM_001127511.3); c.4158A>G, p.Thr1386= (NM_001354896.2); c.4134A>G, p.Thr1378= (NM_001354897.2); c.4029A>G, p.Thr1343= (NM_001354898.2); c.4020A>G, p.Thr1340= (NM_001354899.2); c.3981A>G, p.Thr1327= (NM_001354900.2); c.3927A>G, p.Thr1309= (NM_001354901.2); and 5 more.
Identifiers: ClinVar variation 1104188 (VCV001104188.11), dbSNP rs1300729539, ClinGen allele CA445964114.
Genomic context (GRCh38, chr5:112,839,698, plus strand): 5'-GCACAAAGCTGTTGAATTTTCTTCAGGAGCGAAATCTCCCTCCAAAAGTGGTGCTCAGAC[A>G]CCCAAAAGTCCACCTGAACACTATGTTCAGGAGACCCCACTCATGTTTAGCAGATGTACT-3'
Protein context (NP_000029.2, residues 1358-1378): AKSPSKSGAQ[Thr1368=]PKSPPEHYVQ